The following is an entry in ClinVar:

ClinVar aggregate classification (germline): Uncertain significance. Review status: criteria provided, multiple submitters, no conflicts (2 of 4 stars). 2 submissions from 2 submitters: Uncertain significance (2). Last evaluated 2024-10-04.

Conditions:
Inborn genetic diseases. Identifiers: MedGen C0950123, MeSH D030342.
Congenital factor VII deficiency. Identifiers: Orphanet 327, MedGen C0272320, MONDO:0009211, OMIM 227500.

Allele frequency attached by ClinVar (database versions not stated): gnomAD 0.00001; TOPMed 0.00001.
gnomAD v4.1: 46 of 1,614,070 alleles (0.0028%); highest among the groups gnomAD compares: Non-Finnish European, 0.0039%; no homozygotes.

Submissions (2):

Ambry Genetics
Classification: Uncertain significance for Inborn genetic diseases. Last evaluated: 2024-10-04. Review status: criteria provided, single submitter. Criteria: Ambry Variant Classification Scheme 2023. Collection method: clinical testing. Allele origin: germline.

ISTH-SSC Genomics in Thrombosis and Hemostasis, KU Leuven, Center for Molecular and Vascular Biology
Classification: Uncertain significance for Congenital factor VII deficiency. Review status: criteria provided, single submitter. Criteria: ACMG Guidelines, 2015. Collection method: clinical testing. Allele origin: germline. Affected: yes. Observed: 1 heterozygote.
Comment: Submitted to GoldVariant by Kathleen Freson, Center for Molecular and Vascular Biology, Leuven, Belgium

NM_019616.4(F7):c.675G>T (p.Trp225Cys)

Gene: F7 (coagulation factor VII; plus strand). Cytogenetic location: 13q34.
Variant type: single nucleotide variant.
Coding change: c.675G>T on transcript NM_019616.4 (MANE Select); coding-DNA position 675, G replaced by T.
Protein change: p.Trp225Cys; replaces tryptophan 225 with cysteine.
Molecular consequence: missense variant. On other transcripts: non-coding transcript variant (1).
Genome position (GRCh38, 1-based): chr13:113,117,532, G>T. VCF-style: chr13-113117532-G-T. GRCh37 (hg19) VCF-style: chr13-113771846-G-T.
Other names: c.741G>T, p.Trp247Cys (NM_000131.5); c.489G>T, p.Trp163Cys (NM_001267554.2); c.741G>T (NM_000131.3); short protein forms W163C, W225C, W247C.
Identifiers: ClinVar variation 1703836 (VCV001703836.2), dbSNP rs1288686779, ClinGen allele CA388785316.